The following is an entry in ClinVar:

NM_001347721.2(DYRK1A):c.1237A>T (p.Lys413Ter)

Gene: DYRK1A (dual specificity tyrosine phosphorylation regulated kinase 1A; plus strand). Cytogenetic location: 21q22.13.
Variant type: single nucleotide variant.
Coding change: c.1237A>T on transcript NM_001347721.2 (MANE Select); coding-DNA position 1237, A replaced by T.
Protein change: p.Lys413Ter; replaces lysine 413 with a stop codon.
Molecular consequence: nonsense.
Genome position (GRCh38, 1-based): chr21:37,505,307, A>T. VCF-style: chr21-37505307-A-T. GRCh37 (hg19) VCF-style: chr21-38877610-A-T.
Other names: c.1237A>T, p.Lys413Ter (NM_001347722.2, NM_130436.2); c.1150A>T, p.Lys384Ter (NM_001347723.2); c.1264A>T, p.Lys422Ter (NM_001396.5, NM_101395.2, NM_130438.2); short protein forms K422*, K384*, K413*.
Identifiers: ClinVar variation 430332 (VCV000430332.2), dbSNP rs1131691909, ClinGen allele CA409937898.

ClinVar aggregate classification (germline): Likely pathogenic (1 of 4 stars; one submission).

Submission:

GeneDx
Classification: Likely pathogenic. Last evaluated: 2017-05-23. Review status: criteria provided, single submitter. Criteria: GeneDx Variant Classification (06012015). Collection method: clinical testing. Allele origin: germline. Affected: yes.
Comment: A variant that is likely pathogenic has been identified in the DYRK1A gene. The K422X variant has not been published as a pathogenic variant, nor has it been reported as a benign variant to our knowledge. The K422X nonsense variant in the DYRK1A gene is predicted to cause loss of normal protein function either through protein truncation or nonsense-mediated mRNA decay. Additionally, the K422X variant is not observed in large population cohorts (Lek et al., 2016; 1000 Genomes Consortium et al., 2015; Exome Variant Server). Furthermore, although this variant has not been reported previously to our knowledge, other nonsense variants downstream of this position have been reported in the Human Gene Mutation Database in association with DYRK1A-related disorders (Stenson et al., 2014). Therefore, this variant is likely pathogenic; however, the possibility that it is benign cannot be excluded.